The following is an entry in ClinVar:

NM_000718.4(CACNA1B):c.5992C>T (p.Arg1998Ter)

Gene: CACNA1B (calcium voltage-gated channel subunit alpha1 B; plus strand). Cytogenetic location: 9q34.3.
Variant type: single nucleotide variant.
Coding change: c.5992C>T on transcript NM_000718.4 (MANE Select); coding-DNA position 5992, C replaced by T.
Protein change: p.Arg1998Ter; replaces arginine 1998 with a stop codon.
Molecular consequence: nonsense.
Genome position (GRCh38, 1-based): chr9:138,118,730, C>T. VCF-style: chr9-138118730-C-T. GRCh37 (hg19) VCF-style: chr9-141013182-C-T.
Other names: c.5992C>T, p.Arg1998Ter (NM_001243812.2); short protein forms R1998*.
Identifiers: ClinVar variation 2082495 (VCV002082495.6), dbSNP rs1961967035, ClinGen allele CA375820208.
Genomic context (GRCh38, chr9:138,118,730, plus strand): 5'-CAGAGCATAACCCGGAGGGGCCCTGATGGGGAGCCCCAGCCTGGGCTGGAGAGCCAGGGT[C>T]GAGCGGCCTCCATGCCCCGCCTTGCGGCCGAGACTCAGGTAGGTGGTCTGGGAGGGTCCA-3'

ClinVar aggregate classification (germline): Conflicting classifications of pathogenicity. Review status: criteria provided, conflicting classifications (1 of 4 stars). 3 submissions from 3 submitters: Pathogenic (2); Uncertain significance (1). Last evaluated 2026-09-01.

Allele frequency attached by ClinVar (database versions not stated): TOPMed below 0.00001; gnomAD 0.00001.
gnomAD v4.1: 3 of 1,549,326 alleles (0.00019%); highest among the groups gnomAD compares: Non-Finnish European, 0.00026%; no homozygotes.

Submissions (3):

CeGaT Center for Human Genetics Tuebingen
Classification: Pathogenic. Last evaluated: 2026-09-01. Review status: criteria provided, single submitter. Criteria: CeGaT Center For Human Genetics Tuebingen Variant Classification Criteria Version 2. Collection method: clinical testing. Allele origin: germline. Affected: yes. Observed: 1 variant allele.
Comment: CACNA1B: PVS1, PM2

Labcorp Genetics (formerly Invitae), Labcorp
Classification: Pathogenic. Last evaluated: 2025-10-28. Review status: criteria provided, single submitter. Criteria: Invitae Variant Classification Sherloc (09022015). Collection method: clinical testing. Allele origin: germline.
Comment: This sequence change creates a premature translational stop signal (p.Arg1998*) in the CACNA1B gene. It is expected to result in an absent or disrupted protein product. Loss-of-function variants in CACNA1B are known to be pathogenic (PMID: 30982612). This variant is not present in population databases (gnomAD no frequency). This variant has not been reported in the literature in individuals affected with CACNA1B-related conditions. ClinVar contains an entry for this variant (Variation ID: 2082495). Algorithms developed to predict the effect of sequence changes on RNA splicing suggest that this variant may disrupt the consensus splice site. For these reasons, this variant has been classified as Pathogenic.

Blueprint Genetics
Classification: Uncertain significance. Last evaluated: 2024-08-28. Review status: criteria provided, single submitter. Criteria: ACMG Guidelines, 2015. Collection method: clinical testing. Allele origin: germline.

Literature cited by the submitters: PubMed 30982612 (cited by Labcorp Genetics (formerly Invitae), Labcorp).